The following is an entry in ClinVar:

ClinVar aggregate classification (germline): Uncertain significance. Review status: criteria provided, multiple submitters, no conflicts (2 of 4 stars). 2 submissions from 2 submitters: Uncertain significance (2). Last evaluated 2025-06-21.

Conditions:
Hereditary cancer-predisposing syndrome. Also called: Hereditary Cancer Syndrome; Tumor predisposition; Neoplastic Syndromes, Hereditary; Hereditary neoplastic syndrome. Identifiers: Orphanet 140162, MedGen C0027672, MeSH D009386, MONDO:0015356.

Allele frequency attached by ClinVar (database versions not stated): gnomAD exomes 0.00001; gnomAD 0.00003; TOPMed 0.00003.
gnomAD v4.1: 8 of 1,614,054 alleles (0.0005%); highest among the groups gnomAD compares: Admixed American, 0.013%; no homozygotes.

Submissions (2):

Ambry Genetics
Classification: Uncertain significance for Hereditary cancer-predisposing syndrome. Last evaluated: 2025-06-21. Review status: criteria provided, single submitter. Criteria: Ambry Variant Classification Scheme 2023. Collection method: clinical testing. Allele origin: germline.
Comment: The p.G848S variant (also known as c.2542G>A), located in coding exon 17 of the CTNNA1 gene, results from a G to A substitution at nucleotide position 2542. The glycine at codon 848 is replaced by serine, an amino acid with similar properties. This amino acid position is conserved. In addition, the in silico prediction for this alteration is inconclusive. Based on the available evidence, the clinical significance of this variant remains unclear.

Labcorp Genetics (formerly Invitae), Labcorp
Classification: Uncertain significance. Last evaluated: 2022-04-11. Review status: criteria provided, single submitter. Criteria: Invitae Variant Classification Sherloc (09022015). Collection method: clinical testing. Allele origin: germline.
Comment: This sequence change replaces glycine, which is neutral and non-polar, with serine, which is neutral and polar, at codon 848 of the CTNNA1 protein (p.Gly848Ser). This variant is present in population databases (no rsID available, gnomAD 0.009%). This variant has not been reported in the literature in individuals affected with CTNNA1-related conditions. Algorithms developed to predict the effect of missense changes on protein structure and function are either unavailable or do not agree on the potential impact of this missense change (SIFT: "Deleterious"; PolyPhen-2: "Benign"; Align-GVGD: "Class C0"). In summary, the available evidence is currently insufficient to determine the role of this variant in disease. Therefore, it has been classified as a Variant of Uncertain Significance.

NM_001903.5(CTNNA1):c.2542G>A (p.Gly848Ser)

Gene: CTNNA1 (catenin alpha 1; plus strand). Cytogenetic location: 5q31.2.
Variant type: single nucleotide variant.
Coding change: c.2542G>A on transcript NM_001903.5 (MANE Select); coding-DNA position 2542, G replaced by A.
Protein change: p.Gly848Ser; replaces glycine 848 with serine.
Molecular consequence: missense variant. On other transcripts: 3 prime UTR variant (5).
Genome position (GRCh38, 1-based): chr5:138,933,910, G>A. VCF-style: chr5-138933910-G-A. GRCh37 (hg19) VCF-style: chr5-138269599-G-A.
Other names: c.2173G>A, p.Gly725Ser (NM_001290310.3); c.1432G>A, p.Gly478Ser (NM_001290312.1, NM_001323987.1, NM_001323988.1 and 12 more transcripts); c.2542G>A, p.Gly848Ser (NM_001323982.2, NM_001323983.1, NM_001323984.2); c.2515G>A, p.Gly839Ser (NM_001323985.2); c.2449G>A, p.Gly817Ser (NM_001323986.2); c.1093G>A, p.Gly365Ser (NM_001324009.1, NM_001324010.1, NM_001324006.1 and 2 more transcripts); c.1339G>A, p.Gly447Ser (NM_001324011.1); c.1189G>A, p.Gly397Ser (NM_001324012.1, NM_001324013.1); and 4 more; short protein forms G447S, G745S, G817S, G839S, G397S, G433S, G478S, G725S.
Identifiers: ClinVar variation 2123302 (VCV002123302.5), dbSNP rs1158956721, ClinGen allele CA361135418.